The following is an entry in ClinVar:

ClinVar aggregate classification (germline): Likely benign. Review status: criteria provided, multiple submitters, no conflicts (2 of 4 stars). 3 submissions from 3 submitters: Likely benign (3). Last evaluated 2025-11-23.

Conditions:
Brugada syndrome. Also called: Sudden unexpected nocturnal death syndrome; Sudden Unexplained Death Syndrome; Sudden Unexplained Nocturnal Death Syndrome (SUNDS); Sudden unexplained nocturnal death syndrome. Identifiers: Orphanet 130, MedGen C1142166, MONDO:0015263.
Cardiovascular phenotype. Identifiers: MedGen CN230736.

Allele frequency attached by ClinVar (database versions not stated): gnomAD exomes 0.00003 and 0.00010; gnomAD 0.00004; ExAC 0.00006; TOPMed 0.00007.
gnomAD v4.1: 53 of 1,614,028 alleles (0.0033%); highest among the groups gnomAD compares: East Asian, 0.033%; no homozygotes.

Submissions (3):

Labcorp Genetics (formerly Invitae), Labcorp
Classification: Likely benign for Brugada syndrome. Last evaluated: 2025-11-23. Review status: criteria provided, single submitter. Criteria: Invitae Variant Classification Sherloc (09022015). Collection method: clinical testing. Allele origin: germline.

Ambry Genetics
Classification: Likely benign for Cardiovascular phenotype. Last evaluated: 2020-04-06. Review status: criteria provided, single submitter. Criteria: Ambry Variant Classification Scheme 2023. Collection method: clinical testing. Allele origin: germline.

GeneDx
Classification: Likely benign. Last evaluated: 2019-11-11. Review status: criteria provided, single submitter. Criteria: GeneDx Variant Classification Process June 2021. Collection method: clinical testing. Allele origin: germline. Affected: yes.
Comment: See Variant Classification Assertion Criteria.

Literature cited by the submitters: PubMed 27272739 (cited by Ambry Genetics).

NM_006514.4(SCN10A):c.2450G>A (p.Arg817Gln)

Gene: SCN10A (sodium voltage-gated channel alpha subunit 10; minus strand). Cytogenetic location: 3p22.2.
Variant type: single nucleotide variant.
Coding change: c.2450G>A on transcript NM_006514.4 (MANE Select); coding-DNA position 2450, G replaced by A.
Protein change: p.Arg817Gln; replaces arginine 817 with glutamine.
Molecular consequence: missense variant.
Genome position (GRCh38, 1-based): chr3:38,728,732, C>T on the plus strand (G>A on the coding strand, the complement: SCN10A is on the minus strand). VCF-style: chr3-38728732-C-T. GRCh37 (hg19) VCF-style: chr3-38770223-C-T.
Other names: c.2450G>A, p.Arg817Gln (NM_001293306.2); c.2156G>A, p.Arg719Gln (NM_001293307.2); short protein forms R719Q, R817Q.
Identifiers: ClinVar variation 1678778 (VCV001678778.6), dbSNP rs201068959, ClinGen allele CA2320539.